The following is an entry in ClinVar:

NM_014225.6(PPP2R1A):c.656C>G (p.Ser219Trp)

Gene: PPP2R1A (protein phosphatase 2 scaffold subunit Aalpha; plus strand). Cytogenetic location: 19q13.41.
Variant type: single nucleotide variant.
Coding change: c.656C>G on transcript NM_014225.6 (MANE Select); coding-DNA position 656, C replaced by G.
Protein change: p.Ser219Trp; replaces serine 219 with tryptophan.
Molecular consequence: missense variant. On other transcripts: non-coding transcript variant (1).
Genome position (GRCh38, 1-based): chr19:52,212,959, C>G. VCF-style: chr19-52212959-C-G. GRCh37 (hg19) VCF-style: chr19-52716212-C-G.
Other names: NR_033500.2:n.600C>G; c.119C>G, p.Ser40Trp (NM_001363656.2); short protein forms S219W, S40W.
Identifiers: ClinVar variation 3236657 (VCV003236657.1), dbSNP rs1555791268, ClinGen allele CA407184273.

ClinVar aggregate classification (germline): Uncertain significance (1 of 4 stars; one submission).

Conditions:
Houge-Janssens syndrome 2. Also called: Microcephaly-corpus callosum hypoplasia-intellectual disability-facial dysmorphism syndrome; INTELLECTUAL DEVELOPMENTAL DISORDER, AUTOSOMAL DOMINANT 36; PPP2R1A-Related Neurodevelopmental Disorder. Identifiers: Orphanet 457284, MedGen C4225352, MONDO:0014605, OMIM 616362.

Submission:

Broad Center for Mendelian Genomics, Broad Institute of MIT and Harvard
Classification: Uncertain significance for Houge-Janssens syndrome 2. Last evaluated: 2024-05-13. Review status: criteria provided, single submitter. Criteria: ACMG Guidelines, 2015. Collection method: curation. Allele origin: germline. Inheritance: Autosomal dominant inheritance.
Comment: Trio exome analysis showed this variant to be de novo. This variant has not been previously reported in individuals with Houge-Janssens syndrome 2 and was absent from large population studies. Computational prediction tools and conservation analyses do not provide strong support for or against an impact to the protein. One additional likely pathogenic/pathogenic variant, resulting in a different amino acid change at the same position, (p.Ser219Leu), has been reported in association with disease in ClinVar, supporting that a change at this position may not be tolerated (Variation ID: 521503). In summary, the clinical significance of the (p.Ser219Trp) variant is uncertain. ACMG/AMP Criteria applied: PS2_Supporting, PM2_Supporting, PM5 (Richards 2015).